The following is an entry in ClinVar:

ClinVar aggregate classification (germline): Conflicting classifications of pathogenicity. Review status: criteria provided, conflicting classifications (1 of 4 stars). 2 submissions from 2 submitters: Uncertain significance (1); Likely benign (1). Last evaluated 2024-04-19.

Conditions:
Cardiovascular phenotype. Identifiers: MedGen CN230736.

Allele frequency attached by ClinVar (database versions not stated): gnomAD exomes below 0.00001; TOPMed below 0.00001; gnomAD 0.00001.
gnomAD v4.1: 5 of 1,613,712 alleles (0.00031%); highest among the groups gnomAD compares: Non-Finnish European, 0.00042%; no homozygotes.

Submissions (2):

Ambry Genetics
Classification: Likely benign for Cardiovascular phenotype. Last evaluated: 2024-04-19. Review status: criteria provided, single submitter. Criteria: Ambry Variant Classification Scheme 2023. Collection method: clinical testing. Allele origin: germline.

Women's Health and Genetics/Laboratory Corporation of America, LabCorp
Classification: Uncertain significance. Last evaluated: 2019-08-26. Review status: criteria provided, single submitter. Criteria: LabCorp Variant Classification Summary - May 2015. Collection method: clinical testing. Allele origin: germline.
Comment: Variant summary: AKAP9 c.5460G>T (p.Glu1820Asp) results in a conservative amino acid change in the encoded protein sequence. Five of five in-silico tools predict a benign effect of the variant on protein function. The variant allele was found at a frequency of 4e-06 in 251174 control chromosomes. The available data on variant occurrences in the general population are insufficient to allow any conclusion about variant significance. To our knowledge, no occurrence of c.5460G>T in individuals affected with Arrhythmia and no experimental evidence demonstrating an impact on protein function have been reported. No clinical diagnostic laboratories have submitted clinical-significance assessments for this variant to ClinVar after 2014. Based on the evidence outlined above, the variant was classified as uncertain significance.

NM_005751.5(AKAP9):c.5460G>T (p.Glu1820Asp)

Gene: AKAP9 (A-kinase anchoring protein 9; plus strand). Cytogenetic location: 7q21.2.
Variant type: single nucleotide variant.
Coding change: c.5460G>T on transcript NM_005751.5 (MANE Select); coding-DNA position 5460, G replaced by T.
Protein change: p.Glu1820Asp; replaces glutamic acid 1820 with aspartic acid.
Molecular consequence: missense variant.
Genome position (GRCh38, 1-based): chr7:92,052,817, G>T. VCF-style: chr7-92052817-G-T. GRCh37 (hg19) VCF-style: chr7-91682131-G-T.
Other names: c.5460G>T, p.Glu1820Asp (NM_147185.3); short protein forms E1820D.
Identifiers: ClinVar variation 929140 (VCV000929140.2), dbSNP rs890787072, ClinGen allele CA161907016.
Genomic context (GRCh38, chr7:92,052,817, plus strand): 5'-AAGTGATATGCCAAGAAATGACATTAACATGTGGTCAAAAGTAACTGAGGAAGGAACAGA[G>T]CTGTCACAACGACTTGTGAGGAGTGGTTTTGCTGGAACTGAAATAGACCCTGAAAATGAA-3'
Protein context (NP_005742.4, residues 1810-1830): MWSKVTEEGT[Glu1820Asp]LSQRLVRSGF